The following is an entry in ClinVar:

ClinVar aggregate classification (germline): Likely pathogenic (1 of 4 stars; one submission).

Submission:

GeneDx
Classification: Likely pathogenic. Last evaluated: 2014-09-15. Review status: criteria provided, single submitter. Criteria: GeneDx Variant Classification (06012015). Collection method: clinical testing. Allele origin: germline. Affected: yes.
Comment: p.Phe2219Cys (TTC>TGC): c.6656 T>G in exon 55 of the FBN1 gene (NM_000138.4) A F2219C variant that is likely pathogenic was identified in the FBN1 gene. It has not been published as a mutation, nor has it been reported as a benign polymorphism to our knowledge. The F2219C variant was not observed in approximately 6,500 individuals of European and African American ancestry in the NHLBI Exome Sequencing Project, indicating it is not a common benign variant in these populations. The F2219C variant is a non- conservative amino acid substitution, which is likely to impact secondary protein structure as these residues differ in polarity, charge, size and/or other properties. This substitution occurs at a position that is conserved across species. In silico analysis predicts this variant is probably damaging to the protein structure/function. This substitution introduces an ectopic Cysteine residue into calcium-binding EGF- like domain 38, which may interfere with proper disulfide bond formation in this domain. Additionally, missense mutations in nearby residues (N2223H, C2221F, C2221S, C2221R, C2221G) have been reported in association with Marfan syndrome , supporting the functional importance of this region of the protein. Therefore, this variant is a strong candidate for a pathogenic mutation, however the possibility that it is a benign variant cannot be excluded. The variant is found in TAAD panel(s).

NM_000138.5(FBN1):c.6656T>G (p.Phe2219Cys)

Gene: FBN1 (fibrillin 1; minus strand). Cytogenetic location: 15q21.1.
Variant type: single nucleotide variant.
Coding change: c.6656T>G on transcript NM_000138.5 (MANE Select); coding-DNA position 6656, T replaced by G.
Protein change: p.Phe2219Cys; replaces phenylalanine 2219 with cysteine.
Molecular consequence: missense variant.
Genome position (GRCh38, 1-based): chr15:48,432,949, A>C on the plus strand (T>G on the coding strand, the complement: FBN1 is on the minus strand). VCF-style: chr15-48432949-A-C. GRCh37 (hg19) VCF-style: chr15-48725146-A-C.
Other names: p.F2219C:TTC>TGC; short protein forms F2219C.
Identifiers: ClinVar variation 200196 (VCV000200196.2), dbSNP rs397515837, ClinGen allele CA016615.